The following is an entry in ClinVar:

NM_015335.5(MED13L):c.1989C>T (p.Asn663=)

Gene: MED13L (mediator complex subunit 13L; minus strand). Cytogenetic location: 12q24.21.
Variant type: single nucleotide variant.
Coding change: c.1989C>T on transcript NM_015335.5 (MANE Select); coding-DNA position 1989, C replaced by T.
Protein change: p.Asn663=; no amino-acid change (asparagine 663 retained).
Molecular consequence: synonymous variant.
Genome position (GRCh38, 1-based): chr12:116,008,424, G>A on the plus strand (C>T on the coding strand, the complement: MED13L is on the minus strand). VCF-style: chr12-116008424-G-A. GRCh37 (hg19) VCF-style: chr12-116446229-G-A.
Identifiers: ClinVar variation 4797648 (VCV004797648.2).

ClinVar aggregate classification (germline): Benign/Likely benign. Review status: criteria provided, multiple submitters, no conflicts (2 of 4 stars). 2 submissions from 2 submitters: Benign (1); Likely benign (1). Last evaluated 2026-06-01.

Conditions:
Dextro-looped transposition of the great arteries. Also called: Dextrotransposition of the great arteries. Identifiers: Orphanet 860, MedGen C3531771, MONDO:0019443, OMIM 608808, HP:0031348.

gnomAD v4.1: 105 of 1,611,682 alleles (0.0065%); highest among the groups gnomAD compares: East Asian, 0.083%; 3 homozygotes.

Submissions (2):

CeGaT Center for Human Genetics Tuebingen
Classification: Likely benign. Last evaluated: 2026-06-01. Review status: criteria provided, single submitter. Criteria: CeGaT Center For Human Genetics Tuebingen Variant Classification Criteria Version 2. Collection method: clinical testing. Allele origin: germline. Affected: yes. Observed: 1 variant allele.
Comment: MED13L: BP4, BP7

Labcorp Genetics (formerly Invitae), Labcorp
Classification: Benign for Dextro-looped transposition of the great arteries. Last evaluated: 2025-12-02. Review status: criteria provided, single submitter. Criteria: Invitae Variant Classification Sherloc (09022015). Collection method: clinical testing. Allele origin: germline.